The following is an entry in ClinVar:

ClinVar aggregate classification (germline): Uncertain significance (1 of 4 stars; one submission).

Conditions:
Schimke immuno-osseous dysplasia (SIOD). Also called: Schimke Immunoosseous Dysplasia. Identifiers: Orphanet 1830, MedGen C0877024, MONDO:0009458, OMIM 242900.

Allele frequency attached by ClinVar (database versions not stated): gnomAD exomes 0.00001.
gnomAD v4.1: 5 of 1,614,146 alleles (0.00031%); highest among the groups gnomAD compares: Non-Finnish European, 0.00042%; no homozygotes.

Submission:

Labcorp Genetics (formerly Invitae), Labcorp
Classification: Uncertain significance for Schimke immuno-osseous dysplasia. Last evaluated: 2022-11-08. Review status: criteria provided, single submitter. Criteria: Invitae Variant Classification Sherloc (09022015). Collection method: clinical testing. Allele origin: germline.
Comment: Variants that disrupt the consensus splice site are a relatively common cause of aberrant splicing (PMID: 17576681, 9536098). Algorithms developed to predict the effect of sequence changes on RNA splicing suggest that this variant may disrupt the consensus splice site. In summary, the available evidence is currently insufficient to determine the role of this variant in disease. Therefore, it has been classified as a Variant of Uncertain Significance. ClinVar contains an entry for this variant (Variation ID: 1362157). This variant has not been reported in the literature in individuals affected with SMARCAL1-related conditions. This variant is not present in population databases (gnomAD no frequency). This sequence change affects an acceptor splice site in intron 17 of the SMARCAL1 gene. While this variant is not anticipated to result in nonsense mediated decay, it likely alters RNA splicing and results in a disrupted protein product.

Literature cited by the submitters: PubMed 17576681; PubMed 9536098.

NM_014140.4(SMARCAL1):c.2626-1G>T

Gene: SMARCAL1 (SNF2 related chromatin remodeling annealing helicase 1; plus strand). Cytogenetic location: 2q35.
Variant type: single nucleotide variant.
Coding change: c.2626-1G>T on transcript NM_014140.4 (MANE Select); the canonical splice acceptor site of the intron before coding-DNA position 2626, G replaced by T.
Molecular consequence: splice acceptor variant.
Genome position (GRCh38, 1-based): chr2:216,482,737, G>T. VCF-style: chr2-216482737-G-T. GRCh37 (hg19) VCF-style: chr2-217347460-G-T.
Other names: c.2626-1G>T (NM_001127207.2).
Identifiers: ClinVar variation 1362157 (VCV001362157.8), dbSNP rs2106094746, ClinGen allele CA350505114.
Genomic context (GRCh38, chr2:216,482,737, plus strand): 5'-GAGAGTCAGTGTTGGAGCCTGGGCTCTTCCTTTTATCTTTTGTTTTCTTTCTCTGATGAA[G>T]GACCCAAAGCAGCAGAAGATCTACGACCTATTCCAGAAGTCCTTTGAGAAAGAAGGAAGT-3'